The following is an entry in ClinVar:

NM_000937.5(POLR2A):c.5397G>A (p.Pro1799=)

Gene: POLR2A (RNA polymerase II subunit A; plus strand). Cytogenetic location: 17p13.1.
Variant type: single nucleotide variant.
Coding change: c.5397G>A on transcript NM_000937.5 (MANE Select); coding-DNA position 5397, G replaced by A.
Protein change: p.Pro1799=; no amino-acid change (proline 1799 retained).
Molecular consequence: synonymous variant.
Genome position (GRCh38, 1-based): chr17:7,513,661, G>A. VCF-style: chr17-7513661-G-A. GRCh37 (hg19) VCF-style: chr17-7416980-G-A.
Identifiers: ClinVar variation 3025400 (VCV003025400.22), dbSNP rs183110308, ClinGen allele CA8350567.

ClinVar aggregate classification (germline): Likely benign (1 of 4 stars; one submission).

Allele frequency attached by ClinVar (database versions not stated): ESP Exome Variant Server 0.00008; TOPMed 0.00011; gnomAD 0.00016; 1000 Genomes Project 30x 0.00031; 1000 Genomes Project 0.00040.

Submission:

CeGaT Center for Human Genetics Tuebingen
Classification: Likely benign. Last evaluated: 2023-12-01. Review status: criteria provided, single submitter. Criteria: CeGaT Center For Human Genetics Tuebingen Variant Classification Criteria Version 2. Collection method: clinical testing. Allele origin: germline. Affected: yes. Observed: 1 variant allele.
Comment: POLR2A: BP4, BP7